The following is an entry in ClinVar:

NM_001303.4(COX10):c.1063C>T (p.Arg355Cys)

Gene: COX10 (cytochrome c oxidase assembly factor heme A:farnesyltransferase COX10; plus strand). Cytogenetic location: 17p12.
Variant type: single nucleotide variant.
Coding change: c.1063C>T on transcript NM_001303.4 (MANE Select); coding-DNA position 1063, C replaced by T.
Protein change: p.Arg355Cys; replaces arginine 355 with cysteine.
Molecular consequence: missense variant.
Genome position (GRCh38, 1-based): chr17:14,206,944, C>T. VCF-style: chr17-14206944-C-T. GRCh37 (hg19) VCF-style: chr17-14110261-C-T.
Other names: p.Arg355Cys; short protein forms R355C.
Identifiers: ClinVar variation 3380470 (VCV003380470.1).

ClinVar aggregate classification (germline): Uncertain significance (1 of 4 stars; one submission).

gnomAD v4.1: 16 of 1,613,592 alleles (0.00099%); highest among the groups gnomAD compares: East Asian, 0.0067%; no homozygotes.

Submission:

Mayo Clinic Laboratories, Mayo Clinic
Classification: Uncertain significance. Last evaluated: 2024-03-05. Review status: criteria provided, single submitter. Criteria: ACMG Guidelines, 2015. Collection method: clinical testing. Allele origin: germline. Observed: 1 variant allele.
Comment: PP3, PM2